The following is an entry in ClinVar:

ClinVar aggregate classification (germline): Uncertain significance. Review status: criteria provided, multiple submitters, no conflicts (2 of 4 stars). 3 submissions from 3 submitters: Uncertain significance (3). Last evaluated 2025-04-14.

Conditions:
Meier-Gorlin syndrome 1 (MGORS1). Also called: EAR, PATELLA, SHORT STATURE SYNDROME. Identifiers: Orphanet 2554, MedGen C4552001, MONDO:0009143, OMIM 224690.
Inborn genetic diseases. Identifiers: MedGen C0950123, MeSH D030342.

Allele frequency attached by ClinVar (database versions not stated): gnomAD 0.00007 and 0.00008; TOPMed 0.00008; ExAC 0.00011; gnomAD exomes 0.00011 and 0.00017; ESP Exome Variant Server 0.00023.
gnomAD v4.1: 251 of 1,613,266 alleles (0.016%); highest among the groups gnomAD compares: Non-Finnish European, 0.021%; no homozygotes.

Submissions (3):

Ambry Genetics
Classification: Uncertain significance for Inborn genetic diseases. Last evaluated: 2025-04-14. Review status: criteria provided, single submitter. Criteria: Ambry Variant Classification Scheme 2023. Collection method: clinical testing. Allele origin: germline.

Labcorp Genetics (formerly Invitae), Labcorp
Classification: Uncertain significance. Last evaluated: 2022-07-26. Review status: criteria provided, single submitter. Criteria: Invitae Variant Classification Sherloc (09022015). Collection method: clinical testing. Allele origin: germline.
Comment: This sequence change replaces glutamic acid, which is acidic and polar, with valine, which is neutral and non-polar, at codon 489 of the ORC1 protein (p.Glu489Val). This variant is present in population databases (rs141749112, gnomAD 0.02%). This variant has not been reported in the literature in individuals affected with ORC1-related conditions. ClinVar contains an entry for this variant (Variation ID: 875830). Algorithms developed to predict the effect of missense changes on protein structure and function are either unavailable or do not agree on the potential impact of this missense change (SIFT: "Deleterious"; PolyPhen-2: "Probably Damaging"; Align-GVGD: "Class C0"). In summary, the available evidence is currently insufficient to determine the role of this variant in disease. Therefore, it has been classified as a Variant of Uncertain Significance.

Illumina Laboratory Services, Illumina
Classification: Uncertain significance for Meier-Gorlin syndrome 1. Last evaluated: 2018-01-13. Review status: criteria provided, single submitter. Criteria: ICSL Variant Classification Criteria 13 December 2019. Collection method: clinical testing. Allele origin: germline.

NM_004153.4(ORC1):c.1466A>T (p.Glu489Val)

Gene: ORC1 (origin recognition complex subunit 1; minus strand). Cytogenetic location: 1p32.3.
Variant type: single nucleotide variant.
Coding change: c.1466A>T on transcript NM_004153.4 (MANE Select); coding-DNA position 1466, A replaced by T.
Protein change: p.Glu489Val; replaces glutamic acid 489 with valine.
Molecular consequence: missense variant.
Genome position (GRCh38, 1-based): chr1:52,385,867, T>A on the plus strand (A>T on the coding strand, the complement: ORC1 is on the minus strand). VCF-style: chr1-52385867-T-A. GRCh37 (hg19) VCF-style: chr1-52851539-T-A.
Other names: c.1466A>T, p.Glu489Val (NM_001190818.2); c.1451A>T, p.Glu484Val (NM_001190819.2); short protein forms E484V, E489V.
Identifiers: ClinVar variation 875830 (VCV000875830.7), dbSNP rs141749112, ClinGen allele CA853321.